The following is an entry in ClinVar:

NM_031229.4(RBCK1):c.401G>T (p.Arg134Leu)

Gene: RBCK1 (RANBP2-type and C3HC4-type zinc finger containing 1; plus strand). Cytogenetic location: 20p13.
Variant type: single nucleotide variant.
Coding change: c.401G>T on transcript NM_031229.4 (MANE Select); coding-DNA position 401, G replaced by T.
Protein change: p.Arg134Leu; replaces arginine 134 with leucine.
Molecular consequence: missense variant. On other transcripts: non-coding transcript variant (1).
Genome position (GRCh38, 1-based): chr20:417,871, G>T. VCF-style: chr20-417871-G-T. GRCh37 (hg19) VCF-style: chr20-398515-G-T.
Other names: c.52G>T, p.Ala18Ser (NM_001323956.2, NM_001323958.2); c.452G>T, p.Arg151Leu (NM_001410770.1); c.275G>T, p.Arg92Leu (NM_006462.6); short protein forms A18S, R151L, R134L, R92L.
Identifiers: ClinVar variation 3664716 (VCV003664716.1).
Genomic context (GRCh38, chr20:417,871, plus strand): 5'-TGCACTCCCATGGGGTGCGGCAGAATGGGGACAGTGCCTACCTCTATCTGCTGTCAGCCC[G>T]CAACACCTCCCTCAACCCTCAGGAGCTGCAGCGGGAGCGGCAGCTGCGGATGCTGGAAGG-3'
Protein context (NP_112506.2, residues 124-144): DSAYLYLLSA[Arg134Leu]NTSLNPQELQ

ClinVar aggregate classification (germline): Uncertain significance (1 of 4 stars; one submission).

Conditions:
Polyglucosan body myopathy type 1 (PGBM1). Also called: Polyglucosan body myopathy 1 with or without immunodeficiency; POLYGLUCOSAN BODY MYOPATHY WITHOUT IMMUNODEFICIENCY. Identifiers: Orphanet 329173, Orphanet 397937, MedGen C4014605, MONDO:0014389, OMIM 615895.

gnomAD v4.1: 44 of 1,613,114 alleles (0.0027%); highest among the groups gnomAD compares: Non-Finnish European, 0.0036%; no homozygotes.

Submission:

Labcorp Genetics (formerly Invitae), Labcorp
Classification: Uncertain significance for Polyglucosan body myopathy type 1. Last evaluated: 2024-10-17. Review status: criteria provided, single submitter. Criteria: Invitae Variant Classification Sherloc (09022015). Collection method: clinical testing. Allele origin: germline.
Comment: This sequence change replaces arginine, which is basic and polar, with leucine, which is neutral and non-polar, at codon 134 of the RBCK1 protein (p.Arg134Leu). This variant is present in population databases (rs139191851, gnomAD 0.007%). This variant has not been reported in the literature in individuals affected with RBCK1-related conditions. Invitae Evidence Modeling of protein sequence and biophysical properties (such as structural, functional, and spatial information, amino acid conservation, physicochemical variation, residue mobility, and thermodynamic stability) indicates that this missense variant is not expected to disrupt RBCK1 protein function with a negative predictive value of 80%. In summary, the available evidence is currently insufficient to determine the role of this variant in disease. Therefore, it has been classified as a Variant of Uncertain Significance.